The following is an entry in ClinVar:

NM_001384140.1(PCDH15):c.3939dup (p.Asp1314Ter)

Gene: PCDH15 (protocadherin related 15; minus strand). Cytogenetic location: 10q21.1.
Variant type: Duplication.
Coding change: c.3939dup on transcript NM_001384140.1 (MANE Select); coding-DNA position 3939, one base duplicated (T; older notation c.3939dupT).
Protein change: p.Asp1314Ter; replaces aspartic acid 1314 with a stop codon.
Molecular consequence: nonsense. On other transcripts: frameshift variant (1).
Genome position (GRCh38, 1-based): chr10:53,840,364, A duplicated on the plus strand (T on the coding strand, the reverse complement: PCDH15 is on the minus strand); the first of 2 consecutive A bases (chr10:53,840,364-53,840,365); duplicating either gives the same sequence. VCF-style (leftmost placement, unchanged base first): chr10-53840363-C-CA. GRCh37 (hg19) VCF-style: chr10-55600123-C-CA.
Other names: c.3954dup, p.Asp1319Ter (NM_001142763.2, NM_001142771.2); c.3939dup, p.Asp1314Ter (NM_001142764.2, NM_001142766.2, NM_001142770.3 and 4 more transcripts); c.3726dup, p.Asp1243Ter (NM_001142765.2); c.3828dup, p.Asp1277Ter (NM_001142767.2); c.3873dup, p.Asp1292Ter (NM_001142768.2, NM_001142773.2, NM_001354404.2); c.3974dup, p.Asp1326Terfs (NM_001142769.4); c.3960dup, p.Asp1321Ter (NM_001354411.2); short protein forms D1319*, D1321*, D1292*, D1243*, D1277*, D1314*, D1326*.
Identifiers: ClinVar variation 5003821 (VCV005003821.1).

ClinVar aggregate classification (germline): Pathogenic (1 of 4 stars; one submission).

Conditions:
Usher syndrome type 1F (USH1F). Also called: USHER SYNDROME, TYPE IF. Identifiers: Orphanet 231169, Orphanet 886, MedGen C1865885, MONDO:0011186, OMIM 602083.

Submission:

Myriad Genetics, Inc.
Classification: Pathogenic for Usher syndrome type 1F. Last evaluated: 2025-11-19. Review status: criteria provided, single submitter. Criteria: Myriad Autosomal Dominant, Autosomal Recessive and X-Linked Classification Criteria (2023). Collection method: clinical testing. Allele origin: unknown.
Comment: NM_033056.3(PCDH15):c.3939dupT(D1314*) is a nonsense variant classified as pathogenic in the context of PCDH15-related disorders. D1314* has not been observed in cases with relevant disease. Relevant functional assessments of this variant are not available in the literature. D1314* has not been observed in referenced population frequency databases. In summary, NM_033056.3(PCDH15):c.3939dupT(D1314*) is a nonsense variant in a gene where loss of function is a known mechanism of disease and is predicted to disrupt protein function. Please note: this variant was assessed in the context of healthy population screening.